The following is an entry in ClinVar:

ClinVar aggregate classification (germline): Uncertain significance (1 of 4 stars; one submission).

Conditions:
Jeune thoracic dystrophy. Also called: Jeune syndrome; Infantile thoracic dystrophy; Thoracic pelvic phalangeal dystrophy; Jeune's syndrome; Chondroectodermal dysplasia-like syndrome; Short-rib thoracic dysplasia. Identifiers: Orphanet 474, MedGen C0265275, MONDO:0018770.

Allele frequency attached by ClinVar (database versions not stated): gnomAD 0.00001; gnomAD exomes 0.00001; TOPMed 0.00001; ExAC 0.00002; 1000 Genomes Project 30x 0.00016; 1000 Genomes Project 0.00020.
gnomAD v4.1: 19 of 1,610,366 alleles (0.0012%); highest among the groups gnomAD compares: African/African-American, 0.004%; no homozygotes.

Submission:

Labcorp Genetics (formerly Invitae), Labcorp
Classification: Uncertain significance for Jeune thoracic dystrophy. Last evaluated: 2024-10-17. Review status: criteria provided, single submitter. Criteria: Invitae Variant Classification Sherloc (09022015). Collection method: clinical testing. Allele origin: germline.
Comment: This sequence change replaces arginine, which is basic and polar, with cysteine, which is neutral and slightly polar, at codon 3849 of the DYNC2H1 protein (p.Arg3849Cys). This variant is present in population databases (rs546651727, gnomAD 0.007%). This variant has not been reported in the literature in individuals affected with DYNC2H1-related conditions. ClinVar contains an entry for this variant (Variation ID: 2418385). Invitae Evidence Modeling of protein sequence and biophysical properties (such as structural, functional, and spatial information, amino acid conservation, physicochemical variation, residue mobility, and thermodynamic stability) indicates that this missense variant is expected to disrupt DYNC2H1 protein function with a positive predictive value of 95%. In summary, the available evidence is currently insufficient to determine the role of this variant in disease. Therefore, it has been classified as a Variant of Uncertain Significance.

NM_001377.3(DYNC2H1):c.11524C>T (p.Arg3842Cys)

Gene: DYNC2H1 (dynein cytoplasmic 2 heavy chain 1; plus strand). Cytogenetic location: 11q22.3.
Variant type: single nucleotide variant.
Coding change: c.11524C>T on transcript NM_001377.3 (MANE Select); coding-DNA position 11524, C replaced by T.
Protein change: p.Arg3842Cys; replaces arginine 3842 with cysteine.
Molecular consequence: missense variant.
Genome position (GRCh38, 1-based): chr11:103,311,908, C>T. VCF-style: chr11-103311908-C-T. GRCh37 (hg19) VCF-style: chr11-103182637-C-T.
Other names: c.11545C>T, p.Arg3849Cys (NM_001080463.2); short protein forms R3842C, R3849C.
Identifiers: ClinVar variation 2418385 (VCV002418385.5), dbSNP rs546651727, ClinGen allele CA6255305.